The following is an entry in ClinVar:

NM_000179.3(MSH6):c.2885T>C (p.Ile962Thr)

Gene: MSH6 (mutS homolog 6; plus strand). Cytogenetic location: 2p16.3.
Variant type: single nucleotide variant.
Coding change: c.2885T>C on transcript NM_000179.3 (MANE Select); coding-DNA position 2885, T replaced by C.
Protein change: p.Ile962Thr; replaces isoleucine 962 with threonine.
Molecular consequence: missense variant.
Genome position (GRCh38, 1-based): chr2:47,800,868, T>C. VCF-style: chr2-47800868-T-C. GRCh37 (hg19) VCF-style: chr2-48028007-T-C.
Other names: c.2495T>C, p.Ile832Thr (NM_001281492.2); c.1979T>C, p.Ile660Thr (NM_001281493.2, NM_001281494.2); short protein forms I962T, I832T, I660T.
Identifiers: ClinVar variation 479947 (VCV000479947.22), dbSNP rs778287080, ClinGen allele CA069760.

ClinVar aggregate classification (germline): Conflicting classifications of pathogenicity. Review status: criteria provided, conflicting classifications (1 of 4 stars). 9 submissions from 9 submitters: Uncertain significance (7); Likely benign (1). 1 of the submissions does not count toward it. Last evaluated 2025-07-25.

Conditions:
Mismatch repair cancer syndrome 3. Identifiers: MedGen C5436807, MONDO:0030841, OMIM 619097.
Endometrial carcinoma. Also called: Endometrial carcinoma, somatic. Identifiers: MedGen C0476089, MONDO:0002447, OMIM 608089, HP:0012114.
Lynch syndrome 5 (LYNCH5). Also called: Colorectal cancer, hereditary nonpolyposis, type 5; Hereditary non-polyposis colorectal cancer, type 5. Identifiers: Orphanet 144, MedGen C1833477, MONDO:0013710, OMIM 614350. Disease mechanism: loss of function.
Hereditary nonpolyposis colorectal neoplasms. Identifiers: MedGen C0009405, MeSH D003123.
Hereditary cancer-predisposing syndrome. Also called: Hereditary Cancer Syndrome; Neoplastic Syndromes, Hereditary; Tumor predisposition; Hereditary neoplastic syndrome. Identifiers: Orphanet 140162, MedGen C0027672, MeSH D009386, MONDO:0015356.
Lynch syndrome. Identifiers: Orphanet 144, MedGen C4552100, MONDO:0005835. Disease mechanism: loss of function.
Hereditary breast ovarian cancer syndrome. Also called: Hereditary breast and ovarian cancer syndrome; Hereditary breast and ovarian cancer; Hereditary breast and ovarian cancer syndrome (HBOC); Breast and ovarian cancer; Hereditary breast and/or ovarian cancer syndrome; BRCA1- and BRCA2-Associated Hereditary Breast and Ovarian Cancer. Identifiers: Orphanet 145, MedGen C0677776, MeSH D061325, MONDO:0003582. Disease mechanism: loss of function.
Malignant tumor of breast. Also called: Malignant breast neoplasm; Cancer breast. Identifiers: MedGen C0006142, MONDO:0007254. Disease mechanism: loss of function.

Allele frequency attached by ClinVar (database versions not stated): gnomAD exomes below 0.00001; ExAC 0.00001; gnomAD 0.00001; TOPMed 0.00002.
gnomAD v4.1: 3 of 1,613,570 alleles (0.00019%); highest among the groups gnomAD compares: African/African-American, 0.0027%; no homozygotes.

Submissions (9):

Labcorp Genetics (formerly Invitae), Labcorp
Classification: Likely benign for Hereditary nonpolyposis colorectal neoplasms. Last evaluated: 2025-07-25. Review status: criteria provided, single submitter. Criteria: Invitae Variant Classification Sherloc (09022015). Collection method: clinical testing. Allele origin: germline.

Fulgent Genetics
Classification: Uncertain significance for Endometrial carcinoma; Lynch syndrome 5; Mismatch repair cancer syndrome 3. Last evaluated: 2024-03-27. Review status: criteria provided, single submitter. Criteria: ACMG Guidelines, 2015. Collection method: clinical testing. Allele origin: germline.

Ambry Genetics
Classification: Uncertain significance for Hereditary cancer-predisposing syndrome. Last evaluated: 2024-03-06. Review status: criteria provided, single submitter. Criteria: Ambry Variant Classification Scheme 2023. Collection method: clinical testing. Allele origin: germline.
Comment: The p.I962T variant (also known as c.2885T>C), located in coding exon 4 of the MSH6 gene, results from a T to C substitution at nucleotide position 2885. The isoleucine at codon 962 is replaced by threonine, an amino acid with similar properties. This amino acid position is not well conserved in available vertebrate species. In addition, the in silico prediction for this alteration is inconclusive. Since supporting evidence is limited at this time, the clinical significance of this alteration remains unclear.

All of Us Research Program, National Institutes of Health
Classification: Uncertain significance for Lynch syndrome. Last evaluated: 2023-08-15. Review status: criteria provided, single submitter. Criteria: ACMG Guidelines, 2015. Collection method: clinical testing. Allele origin: germline. Inheritance: Autosomal dominant inheritance. Observed: 1 variant allele, 1 heterozygote.
Comment: This missense variant replaces isoleucine with threonine at codon 962 of the MSH6 protein. Computational prediction is inconclusive regarding the impact of this variant on protein structure and function (internally defined REVEL score threshold 0.5 < inconclusive < 0.7, PMID: 27666373). To our knowledge, functional studies have not been reported for this variant. This variant has not been reported in individuals affected with MSH6-related disorders in the literature. This variant has been identified in 1/250020 chromosomes in the general population by the Genome Aggregation Database (gnomAD). The available evidence is insufficient to determine the role of this variant in disease conclusively. Therefore, this variant is classified as a Variant of Uncertain Significance.

This study involves interpretation of variants in research participants for the purpose of population health screening. Participant phenotype was not available at the time of variant classification. Additional details can be found in publication PMID: 35346344, PMCID: PMC8962531

Color Diagnostics, LLC DBA Color Health
Classification: Uncertain significance for Hereditary cancer-predisposing syndrome. Last evaluated: 2023-07-20. Review status: criteria provided, single submitter. Criteria: ACMG Guidelines, 2015. Collection method: clinical testing. Allele origin: germline.
Comment: This missense variant replaces isoleucine with threonine at codon 962 of the MSH6 protein. Computational prediction is inconclusive regarding the impact of this variant on protein structure and function (internally defined REVEL score threshold 0.5 < inconclusive < 0.7, PMID: 27666373). To our knowledge, functional studies have not been reported for this variant. This variant has not been reported in individuals affected with MSH6-related disorders in the literature. This variant has been identified in 1/250020 chromosomes in the general population by the Genome Aggregation Database (gnomAD). The available evidence is insufficient to determine the role of this variant in disease conclusively. Therefore, this variant is classified as a Variant of Uncertain Significance.

Quest Diagnostics Nichols Institute San Juan Capistrano
Classification: Uncertain significance. Last evaluated: 2023-06-21. Review status: criteria provided, single submitter. Criteria: Quest Diagnostics criteria. Collection method: clinical testing. Allele origin: unknown.
Comment: This variant has not been reported in the published literature. The frequency of this variant in the general population, 0.000004 (1/250020 chromosomes (Genome Aggregation Database)), is uninformative in the assessment of its pathogenicity. Analysis of this variant using bioinformatics tools for the prediction of the effect of amino acid changes on protein structure and function yielded conflicting predictions that this variant is benign or damaging. Based on the available information, we are unable to determine the clinical significance of this variant.

GeneDx
Classification: Uncertain significance. Last evaluated: 2021-01-22. Review status: criteria provided, single submitter. Criteria: GeneDx Variant Classification Process June 2021. Collection method: clinical testing. Allele origin: germline. Affected: yes.
Comment: Not observed at a significant frequency in large population cohorts (Lek et al., 2016); In silico analysis supports that this missense variant has a deleterious effect on protein structure/function; Has not been previously published as pathogenic or benign to our knowledge

Molecular Oncology Research Center, Barretos Cancer Hospital
Classification: Uncertain significance for Hereditary breast ovarian cancer syndrome. Last evaluated: 2020-08-01. Review status: criteria provided, single submitter. Criteria: ACMG Guidelines, 2015. Collection method: research. Allele origin: germline. Affected: yes. Observed: 1 variant allele.

Department of Pathology and Laboratory Medicine, Sinai Health System
Classification: Uncertain significance for Malignant tumor of breast. Review status: no assertion criteria provided. Collection method: clinical testing. Allele origin: unknown. Affected: yes. Study: The Canadian Open Genetics Repository (COGR). Not counted in ClinVar's aggregate classification.
Comment: The MSH6 p.Ile962Thr variant was not identified in the literature nor was it identified in the UMD-LSDB database. The variant was identified in dbSNP (ID: rs778287080) as "With Uncertain significance allele", and ClinVar (classified as uncertain significance by Ambry Genetics and Invitae).The variant was identified in control databases in 1 of 244842 chromosomes at a frequency of 0.000004 (Genome Aggregation Database Feb 27, 2017). The variant was observed in the following populations: Ashkenazi Jewish in 1 of 9776 chromosomes (freq: 0.0001), while the variant was not observed in the African, Other, Latino, European Non-Finnish, East Asian, European Finnish, and South Asian populations. The p.Ile962 residue is not conserved in mammals and computational analyses (PolyPhen-2, SIFT, AlignGVGD, BLOSUM, MutationTaster) provide inconsistent predictions regarding the impact to the protein; this information is not very predictive of pathogenicity. The variant occurs outside of the splicing consensus sequence and in silico or computational prediction software programs (SpliceSiteFinder, MaxEntScan, NNSPLICE, GeneSplicer) do not predict a difference in splicing. In summary, based on the above information the clinical significance of this variant cannot be determined with certainty at this time. This variant is classified as a variant of uncertain significance.